The following is an entry in ClinVar:

NM_001018111.3(PODXL):c.1426G>A (p.Val476Met)

Gene: PODXL (podocalyxin like; minus strand). Cytogenetic location: 7q32.3.
Variant type: single nucleotide variant.
Coding change: c.1426G>A on transcript NM_001018111.3 (MANE Select); coding-DNA position 1426, G replaced by A.
Protein change: p.Val476Met; replaces valine 476 with methionine.
Molecular consequence: missense variant.
Genome position (GRCh38, 1-based): chr7:131,505,921, C>T on the plus strand (G>A on the coding strand, the complement: PODXL is on the minus strand). VCF-style: chr7-131505921-C-T. GRCh37 (hg19) VCF-style: chr7-131190680-C-T.
Other names: c.1330G>A, p.Val444Met (NM_005397.4); short protein forms V444M, V476M.
Identifiers: ClinVar variation 2893111 (VCV002893111.3), dbSNP rs1278357127, ClinGen allele CA369299290.

ClinVar aggregate classification (germline): Uncertain significance (1 of 4 stars; one submission).

Allele frequency attached by ClinVar (database versions not stated): TOPMed below 0.00001; gnomAD 0.00001; gnomAD exomes 0.00001.
gnomAD v4.1: 16 of 1,591,350 alleles (0.001%); highest among the groups gnomAD compares: South Asian, 0.0011%; no homozygotes.

Submission:

Labcorp Genetics (formerly Invitae), Labcorp
Classification: Uncertain significance. Last evaluated: 2022-12-30. Review status: criteria provided, single submitter. Criteria: Invitae Variant Classification Sherloc (09022015). Collection method: clinical testing. Allele origin: germline.
Comment: In summary, the available evidence is currently insufficient to determine the role of this variant in disease. Therefore, it has been classified as a Variant of Uncertain Significance. Algorithms developed to predict the effect of missense changes on protein structure and function are either unavailable or do not agree on the potential impact of this missense change (SIFT: "Deleterious"; PolyPhen-2: "Probably Damaging"; Align-GVGD: "Class C0"). This variant has not been reported in the literature in individuals affected with PODXL-related conditions. This variant is not present in population databases (gnomAD no frequency). This sequence change replaces valine, which is neutral and non-polar, with methionine, which is neutral and non-polar, at codon 444 of the PODXL protein (p.Val444Met).